The following is an entry in ClinVar:

NM_005918.4(MDH2):c.1004del (p.Lys335fs)

Gene: MDH2 (malate dehydrogenase 2; plus strand). Cytogenetic location: 7q11.23.
Variant type: Deletion.
Coding change: c.1004del on transcript NM_005918.4 (MANE Select); coding-DNA position 1004, one base deleted (A; older notation c.1004delA).
Protein change: p.Lys335fs; shifts the reading frame from lysine 335.
Molecular consequence: frameshift variant.
Genome position (GRCh38, 1-based): chr7:76,066,397, A deleted; the last of 2 consecutive A bases (chr7:76,066,396-76,066,397); deleting either gives the same sequence. VCF-style (leftmost placement, unchanged base first): chr7-76066395-GA-G. GRCh37 (hg19) VCF-style: chr7-75695713-GA-G.
Other names: c.878del, p.Lys293fs (NM_001282403.2); c.683del, p.Lys228fs (NM_001282404.2); short protein forms K293fs, K335fs, K228fs.
Identifiers: ClinVar variation 1364711 (VCV001364711.5), dbSNP rs1289718858, ClinGen allele CA575583449.

ClinVar aggregate classification (germline): Uncertain significance (1 of 4 stars; one submission).

Submission:

Labcorp Genetics (formerly Invitae), Labcorp
Classification: Uncertain significance. Last evaluated: 2022-05-27. Review status: criteria provided, single submitter. Criteria: Invitae Variant Classification Sherloc (09022015). Collection method: clinical testing. Allele origin: germline.
Comment: This sequence change creates a premature translational stop signal (p.Lys335Argfs*3) in the MDH2 gene. While this is not anticipated to result in nonsense mediated decay, it is expected to disrupt the last 4 amino acid(s) of the MDH2 protein. This variant is present in population databases (no rsID available, gnomAD 0.0009%). This variant has not been reported in the literature in individuals affected with MDH2-related conditions. Experimental studies and prediction algorithms are not available or were not evaluated, and the functional significance of this variant is currently unknown. In summary, the available evidence is currently insufficient to determine the role of this variant in disease. Therefore, it has been classified as a Variant of Uncertain Significance.